The following is an entry in ClinVar:

NM_001370298.3(FGD4):c.609C>A (p.Leu203=)

Gene: FGD4 (FYVE, RhoGEF and PH domain containing 4; plus strand). Cytogenetic location: 12p11.21.
Variant type: single nucleotide variant.
Coding change: c.609C>A on transcript NM_001370298.3 (MANE Select); coding-DNA position 609, C replaced by A.
Protein change: p.Leu203=; no amino-acid change (leucine 203 retained).
Molecular consequence: synonymous variant. On other transcripts: 5 prime UTR variant (5), non-coding transcript variant (1), intron variant (1).
Genome position (GRCh38, 1-based): chr12:32,582,065, C>A. VCF-style: chr12-32582065-C-A. GRCh37 (hg19) VCF-style: chr12-32734999-C-A.
Other names: c.453C>A, p.Leu151= (NM_001304481.2); c.-647C>A (NM_001304483.2); c.-954C>A (NM_001304484.2); c.-82C>A (NM_001330373.2, NM_001330374.2, NM_001384130.1); c.609C>A, p.Leu203= (NM_001384126.1); c.198C>A, p.Leu66= (NM_001384127.1, NM_001384128.1, NM_001384131.1 and 3 more transcripts); c.49-16432C>A (NM_001370297.1).
Identifiers: ClinVar variation 1966167 (VCV001966167.9), dbSNP rs1315014742, ClinGen allele CA479388185.

ClinVar aggregate classification (germline): Likely benign. Review status: criteria provided, multiple submitters, no conflicts (2 of 4 stars). 2 submissions from 2 submitters: Likely benign (2). Last evaluated 2026-02-01.

Conditions:
Charcot-Marie-Tooth disease type 4. Also called: Charcot-Marie-Tooth, Type 4; Charcot-Marie-Tooth disease, type IV. Identifiers: Orphanet 64749, MedGen C4082197, MONDO:0018995.

Allele frequency attached by ClinVar (database versions not stated): gnomAD exomes below 0.00001; TOPMed below 0.00001; gnomAD 0.00001.
gnomAD v4.1: 3 of 1,614,066 alleles (0.00019%); highest among the groups gnomAD compares: Non-Finnish European, 0.00025%; no homozygotes.

Submissions (2):

CeGaT Center for Human Genetics Tuebingen
Classification: Likely benign. Last evaluated: 2026-02-01. Review status: criteria provided, single submitter. Criteria: CeGaT Center For Human Genetics Tuebingen Variant Classification Criteria Version 2. Collection method: clinical testing. Allele origin: germline. Affected: yes. Observed: 1 variant allele.
Comment: FGD4: BP4, BP7

Labcorp Genetics (formerly Invitae), Labcorp
Classification: Likely benign for Charcot-Marie-Tooth disease type 4. Last evaluated: 2023-06-21. Review status: criteria provided, single submitter. Criteria: Invitae Variant Classification Sherloc (09022015). Collection method: clinical testing. Allele origin: germline.